The following is an entry in ClinVar:

NM_004168.4(SDHA):c.1346C>T (p.Ala449Val)

Gene: SDHA (succinate dehydrogenase complex flavoprotein subunit A; plus strand). Cytogenetic location: 5p15.33.
Variant type: single nucleotide variant.
Coding change: c.1346C>T on transcript NM_004168.4 (MANE Select); coding-DNA position 1346, C replaced by T.
Protein change: p.Ala449Val; replaces alanine 449 with valine.
Molecular consequence: missense variant.
Genome position (GRCh38, 1-based): chr5:236,513, C>T. VCF-style: chr5-236513-C-T. GRCh37 (hg19) VCF-style: chr5-236628-C-T.
Other names: c.1346C>T (NM_004168.2); c.1202C>T, p.Ala401Val (NM_001294332.2); c.1346C>T, p.Ala449Val (NM_001330758.2); short protein forms A449V, A401V.
Identifiers: ClinVar variation 548890 (VCV000548890.34), dbSNP rs201139275, ClinGen allele CA3173201.

ClinVar aggregate classification (germline): Conflicting classifications of pathogenicity. Review status: criteria provided, conflicting classifications (1 of 4 stars). 7 submissions from 7 submitters: Uncertain significance (3); Likely benign (1). 3 of the submissions do not count toward it. Last evaluated 2024-11-26.

Conditions:
Hereditary cancer-predisposing syndrome. Also called: Hereditary neoplastic syndrome; Tumor predisposition; Neoplastic Syndromes, Hereditary; Hereditary Cancer Syndrome. Identifiers: Orphanet 140162, MedGen C0027672, MeSH D009386, MONDO:0015356.
Dilated cardiomyopathy 1GG (CMD1GG). Identifiers: Orphanet 154, MedGen C3150898, MONDO:0013339, OMIM 613642.
Pheochromocytoma/paraganglioma syndrome 5. Also called: Paragangliomas 5; SDHA-Related Hereditary Paraganglioma-Pheochromocytoma Syndrome. Identifiers: Orphanet 29072, MedGen C3279992, MONDO:0013602, OMIM 614165.
Pulmonary artery atresia. Also called: Pulmonary atresia. Identifiers: MedGen C0265908, HP:0004935.

Allele frequency attached by ClinVar (database versions not stated): gnomAD exomes 0.00001; ExAC 0.00010; 1000 Genomes Project 0.00180.

Submissions (7):

Blueprint Genetics
Classification: Likely benign. Last evaluated: 2024-11-26. Review status: criteria provided, single submitter. Criteria: ACMG Guidelines, 2015. Collection method: clinical testing. Allele origin: germline.

Ambry Genetics
Classification: Uncertain significance for Hereditary cancer-predisposing syndrome. Last evaluated: 2024-08-16. Review status: criteria provided, single submitter. Criteria: Ambry Variant Classification Scheme 2023. Collection method: clinical testing. Allele origin: germline.
Comment: The p.A449V variant (also known as c.1346C>T), located in coding exon 10 of the SDHA gene, results from a C to T substitution at nucleotide position 1346. The alanine at codon 449 is replaced by valine, an amino acid with similar properties. This amino acid position is highly conserved in available vertebrate species. In addition, this alteration is predicted to be deleterious by in silico analysis. Based on the available evidence, the clinical significance of this variant remains unclear.

Baylor Genetics
Classification: Uncertain significance for Dilated cardiomyopathy 1GG. Last evaluated: 2024-02-28. Review status: criteria provided, single submitter. Criteria: ACMG Guidelines, 2015. Collection method: clinical testing. Allele origin: unknown.

Breakthrough Genomics
Classification: Uncertain significance. Review status: criteria provided, single submitter. Criteria: ACMG Guidelines, 2015. Collection method: not provided. Allele origin: germline. Inheritance: Autosomal recessive inheritance. Affected: yes.

Counsyl
Classification: Uncertain significance for Pheochromocytoma/paraganglioma syndrome 5. Last evaluated: 2018-04-17. Review status: no assertion criteria provided. Collection method: clinical testing. Allele origin: unknown. Not counted in ClinVar's aggregate classification.

Department of Pathology and Laboratory Medicine, Sinai Health System
Classification: Uncertain significance. Review status: no assertion criteria provided. Collection method: clinical testing. Allele origin: unknown. Affected: yes. Study: The Canadian Open Genetics Repository (COGR). Not counted in ClinVar's aggregate classification.
Comment: Low coverage

Henan Key Laboratory of Chronic Disease Management, Central China Fuwai Hospital of Zhengzhou University, Fuwai Central China Cardiovascular Hospital & Central China Branch of National Center for Cardiovascular Diseases
Classification: Pathogenic for Pulmonary artery atresia. Review status: no assertion criteria provided. Collection method: clinical testing. Allele origin: de novo. Affected: yes. Not counted in ClinVar's aggregate classification.